The following is an entry in ClinVar:

ClinVar aggregate classification (germline): Benign/Likely benign. Review status: criteria provided, multiple submitters, no conflicts (2 of 4 stars). 3 submissions from 3 submitters: Benign (1); Likely benign (2). Last evaluated 2025-10-10.

Conditions:
Developmental and epileptic encephalopathy, 36 (DEE36). Also called: ALG13-CDG; Congenital disorder of glycosylation, type Is; Epileptic encephalopathy, early infantile, 36. Identifiers: Orphanet 324422, MedGen C4317295, MONDO:0010472, OMIM 300884.

Allele frequency attached by ClinVar (database versions not stated): ExAC 0.00008; gnomAD 0.00009; gnomAD exomes 0.00015.

Submissions (3):

Labcorp Genetics (formerly Invitae), Labcorp
Classification: Benign for Developmental and epileptic encephalopathy, 36. Last evaluated: 2025-10-10. Review status: criteria provided, single submitter. Criteria: Invitae Variant Classification Sherloc (09022015). Collection method: clinical testing. Allele origin: germline.

CeGaT Center for Human Genetics Tuebingen
Classification: Likely benign. Last evaluated: 2025-03-01. Review status: criteria provided, single submitter. Criteria: CeGaT Center For Human Genetics Tuebingen Variant Classification Criteria Version 2. Collection method: clinical testing. Allele origin: germline. Affected: yes. Observed: 1 variant allele.
Comment: ALG13: BP4, BS2

Blueprint Genetics
Classification: Likely benign. Last evaluated: 2021-08-19. Review status: criteria provided, single submitter. Criteria: ACMG Guidelines, 2015. Collection method: clinical testing. Allele origin: germline.

NM_001099922.3(ALG13):c.383+8A>G

Gene: ALG13 (ALG13 UDP-N-acetylglucosaminyltransferase subunit; plus strand). Cytogenetic location: Xq23.
Variant type: single nucleotide variant.
Coding change: c.383+8A>G on transcript NM_001099922.3 (MANE Select); 8 bases into the intron after coding-DNA position 383, A replaced by G.
Molecular consequence: intron variant.
Genome position (GRCh38, 1-based): chrX:111,685,111, A>G. VCF-style: chrX-111685111-A-G. GRCh37 (hg19) VCF-style: chrX-110928339-A-G.
Other names: c.71+8A>G (NM_001257237.2, NM_001324293.1, NM_001257234.2 and 6 more transcripts); c.149+8A>G (NM_001257231.2, NM_001257241.3); c.383+8A>G (NM_001324292.2, NM_001168385.3, NM_018466.6); c.389+8A>G (NM_001324290.2); c.324+8A>G (NM_001039210.5).
Identifiers: ClinVar variation 3001004 (VCV003001004.11), dbSNP rs760065338, ClinGen allele CA10493491.